The following is an entry in ClinVar:

NM_012199.5(AGO1):c.2265+4G>T

Gene: AGO1 (argonaute RISC component 1; plus strand). Cytogenetic location: 1p34.3.
Variant type: single nucleotide variant.
Coding change: c.2265+4G>T on transcript NM_012199.5 (MANE Select); 4 bases into the intron after coding-DNA position 2265, G replaced by T.
Molecular consequence: intron variant.
Genome position (GRCh38, 1-based): chr1:35,918,427, G>T. VCF-style: chr1-35918427-G-T. GRCh37 (hg19) VCF-style: chr1-36384028-G-T.
Other names: c.2040+4G>T (NM_001317123.2); c.2265+4G>T (NM_001317122.2).
Identifiers: ClinVar variation 3038075 (VCV003038075.2), dbSNP rs61751004, ClinGen allele CA763397.

ClinVar aggregate classification (germline): Benign (0 of 4 stars; one submission).

Conditions:
AGO1-related disorder. Also called: AGO1-related condition.

Allele frequency attached by ClinVar (database versions not stated): 1000 Genomes Project 0.00799; 1000 Genomes Project 30x 0.00906; ExAC 0.01701; TOPMed 0.01713; gnomAD 0.01747; ESP Exome Variant Server 0.02583; gnomAD exomes 0.02659.
gnomAD v4.1: 41,080 of 1,611,152 alleles (2.5%); highest among the groups gnomAD compares: Non-Finnish European, 3.1%; 651 homozygotes.

Submission:

PreventionGenetics, part of Exact Sciences
Classification: Benign for AGO1-related condition. Last evaluated: 2024-03-11. Review status: no assertion criteria provided. Collection method: clinical testing. Allele origin: germline.
Comment: This variant is classified as benign based on ACMG/AMP sequence variant interpretation guidelines (Richards et al. 2015 PMID: 25741868, with internal and published modifications).